The following is an entry in ClinVar:

ClinVar aggregate classification (germline): Conflicting classifications of pathogenicity. Review status: criteria provided, conflicting classifications (1 of 4 stars). 2 submissions from 2 submitters: Likely pathogenic (1); Uncertain significance (1). Last evaluated 2025-06-18.

Conditions:
Progressive sclerosing poliodystrophy (MTDPS4A). Also called: Mitochondrial DNA depletion syndrome 4A (Alpers type); ALPERS PROGRESSIVE INFANTILE POLIODYSTROPHY; NEURONAL DEGENERATION OF CHILDHOOD WITH LIVER DISEASE, PROGRESSIVE; Alpers Syndrome; ALPERS DIFFUSE DEGENERATION OF CEREBRAL GRAY MATTER WITH HEPATIC CIRRHOSIS; Alpers-Huttenlocher Syndrome. Identifiers: Orphanet 726, MedGen C0205710, MONDO:0008758, OMIM 203700.

Submissions (2):

Women's Health and Genetics/Laboratory Corporation of America, LabCorp
Classification: Uncertain significance. Last evaluated: 2025-06-18. Review status: criteria provided, single submitter. Criteria: LabCorp Variant Classification Summary - May 2015. Collection method: clinical testing. Allele origin: germline.
Comment: Variant summary: POLG c.730C>T (p.Leu244Phe) results in a non-conservative amino acid change in the encoded protein sequence. Algorithms developed to predict the effect of missense changes on protein structure and function all suggest that this variant is likely to be disruptive. The variant was absent in 250940 control chromosomes. The available data on variant occurrences in the general population are insufficient to allow any conclusion about variant significance. To our knowledge, no occurrence of c.730C>T in individuals affected with Mitochondrial DNA Depletion Syndrome - POLG Related and no experimental evidence demonstrating its impact on protein function have been reported. A different variant affecting the same codon has been classified as pathogenic by our lab (c.731T>C, p.Leu244Pro), supporting the critical relevance of codon 244 to POLG protein function, however additional evidence is needed at this time to make unequivocal conclusions about this variant. ClinVar contains an entry for this variant (Variation ID: 2869186). Based on the evidence outlined above, the variant was classified as uncertain significance.

Labcorp Genetics (formerly Invitae), Labcorp
Classification: Likely pathogenic for Progressive sclerosing poliodystrophy. Last evaluated: 2023-10-28. Review status: criteria provided, single submitter. Criteria: Invitae Variant Classification Sherloc (09022015). Collection method: clinical testing. Allele origin: germline.
Comment: This sequence change replaces leucine, which is neutral and non-polar, with phenylalanine, which is neutral and non-polar, at codon 244 of the POLG protein (p.Leu244Phe). This variant is not present in population databases (gnomAD no frequency). This variant has not been reported in the literature in individuals affected with POLG-related conditions. Advanced modeling of protein sequence and biophysical properties (such as structural, functional, and spatial information, amino acid conservation, physicochemical variation, residue mobility, and thermodynamic stability) performed at Invitae indicates that this missense variant is expected to disrupt POLG protein function with a positive predictive value of 95%. This variant disrupts the p.Leu244 amino acid residue in POLG. Other variant(s) that disrupt this residue have been determined to be pathogenic (PMID: 15689359, 20601675). This suggests that this residue is clinically significant, and that variants that disrupt this residue are likely to be disease-causing. In summary, the currently available evidence indicates that the variant is pathogenic, but additional data are needed to prove that conclusively. Therefore, this variant has been classified as Likely Pathogenic.

Literature cited by the submitters: PubMed 15689359 (cited by Labcorp Genetics (formerly Invitae), Labcorp); PubMed 20601675 (cited by Labcorp Genetics (formerly Invitae), Labcorp).

NM_002693.3(POLG):c.730C>T (p.Leu244Phe)

Gene: POLG (DNA polymerase gamma, catalytic subunit; minus strand). Cytogenetic location: 15q26.1.
Variant type: single nucleotide variant.
Coding change: c.730C>T on transcript NM_002693.3 (MANE Select); coding-DNA position 730, C replaced by T.
Protein change: p.Leu244Phe; replaces leucine 244 with phenylalanine.
Molecular consequence: missense variant.
Genome position (GRCh38, 1-based): chr15:89,330,206, G>A on the plus strand (C>T on the coding strand, the complement: POLG is on the minus strand). VCF-style: chr15-89330206-G-A. GRCh37 (hg19) VCF-style: chr15-89873437-G-A.
Other names: c.730C>T, p.Leu244Phe (NM_001126131.2); short protein forms L244F.
Identifiers: ClinVar variation 2869186 (VCV002869186.4), dbSNP rs367959489, ClinGen allele CA393767043.